The following is an entry in ClinVar:

NM_000275.3(OCA2):c.1146G>A (p.Trp382Ter)

Gene: OCA2 (OCA2 melanosomal transmembrane protein; minus strand). Cytogenetic location: 15q13.1.
Variant type: single nucleotide variant.
Coding change: c.1146G>A on transcript NM_000275.3 (MANE Select); coding-DNA position 1146, G replaced by A.
Protein change: p.Trp382Ter; replaces tryptophan 382 with a stop codon.
Molecular consequence: nonsense.
Genome position (GRCh38, 1-based): chr15:27,989,637, C>T on the plus strand (G>A on the coding strand, the complement: OCA2 is on the minus strand). VCF-style: chr15-27989637-C-T. GRCh37 (hg19) VCF-style: chr15-28234783-C-T.
Other names: c.1074G>A, p.Trp358Ter (NM_001300984.2); short protein forms W358*, W382*.
Identifiers: ClinVar variation 5013718 (VCV005013718.1).

ClinVar aggregate classification (germline): Pathogenic (1 of 4 stars; one submission).

Conditions:
Tyrosinase-positive oculocutaneous albinism (OCA2). Also called: ALBINISM II; Oculocutaneous albinism type 2; Albinism, oculocutaneous, type II. Identifiers: Orphanet 79432, MedGen C0268495, MONDO:0008746, OMIM 203200.

Submission:

Myriad Genetics, Inc.
Classification: Pathogenic for Tyrosinase-positive oculocutaneous albinism. Last evaluated: 2024-11-06. Review status: criteria provided, single submitter. Criteria: Myriad Autosomal Dominant, Autosomal Recessive and X-Linked Classification Criteria (2023). Collection method: clinical testing. Allele origin: unknown.
Comment: NM_000275.2(OCA2):c.1146G>A(W382*) is expected to be pathogenic in the context of oculocutaneous albinism, OCA2-related. This variant is predicted to lead to an abnormal or absent protein product due to the creation of a premature termination codon in OCA2, a gene where loss-of-function variants are known to be pathogenic. Please note: this variant was assessed in the context of healthy population screening.